The following is an entry in ClinVar:

ClinVar aggregate classification (germline): Uncertain significance. Review status: criteria provided, multiple submitters, no conflicts (2 of 4 stars). 2 submissions from 2 submitters: Uncertain significance (2). Last evaluated 2025-02-26.

Conditions:
Hereditary cancer-predisposing syndrome. Also called: Tumor predisposition; Neoplastic Syndromes, Hereditary; Hereditary Cancer Syndrome; Hereditary neoplastic syndrome. Identifiers: Orphanet 140162, MedGen C0027672, MeSH D009386, MONDO:0015356.
Microcephaly, normal intelligence and immunodeficiency (NBS). Also called: IMMUNODEFICIENCY, MICROCEPHALY, AND CHROMOSOMAL INSTABILITY; SEEMANOVA SYNDROME II; Nijmegen breakage syndrome; Microcephaly with normal intelligence immunodeficiency and lymphoreticular malignancies; Nonsyndromal microcephaly autosomal recessive with normal intelligence; Seemanova syndrome 2. Identifiers: Orphanet 647, MedGen C0398791, MONDO:0009623, OMIM 251260.

Submissions (2):

Labcorp Genetics (formerly Invitae), Labcorp
Classification: Uncertain significance for Microcephaly, normal intelligence and immunodeficiency. Last evaluated: 2025-02-26. Review status: criteria provided, single submitter. Criteria: Invitae Variant Classification Sherloc (09022015). Collection method: clinical testing. Allele origin: germline.
Comment: This sequence change replaces glutamic acid, which is acidic and polar, with alanine, which is neutral and non-polar, at codon 737 of the NBN protein (p.Glu737Ala). This variant is not present in population databases (gnomAD no frequency). This variant has not been reported in the literature in individuals affected with NBN-related conditions. ClinVar contains an entry for this variant (Variation ID: 1787759). An algorithm developed to predict the effect of missense changes on protein structure and function (PolyPhen-2) suggests that this variant is likely to be disruptive. In summary, the available evidence is currently insufficient to determine the role of this variant in disease. Therefore, it has been classified as a Variant of Uncertain Significance.

Ambry Genetics
Classification: Uncertain significance for Hereditary cancer-predisposing syndrome. Last evaluated: 2021-08-29. Review status: criteria provided, single submitter. Criteria: Ambry Variant Classification Scheme 2023. Collection method: clinical testing. Allele origin: germline.
Comment: The p.E737A variant (also known as c.2210A>C), located in coding exon 15 of the NBN gene, results from an A to C substitution at nucleotide position 2210. The glutamic acid at codon 737 is replaced by alanine, an amino acid with dissimilar properties. This amino acid position is conserved. In addition, the in silico prediction for this alteration is inconclusive. Since supporting evidence is limited at this time, the clinical significance of this alteration remains unclear.

NM_002485.5(NBN):c.2210A>C (p.Glu737Ala)

Gene: NBN (nibrin; minus strand). Cytogenetic location: 8q21.3.
Variant type: single nucleotide variant.
Coding change: c.2210A>C on transcript NM_002485.5 (MANE Select); coding-DNA position 2210, A replaced by C.
Protein change: p.Glu737Ala; replaces glutamic acid 737 with alanine.
Molecular consequence: missense variant.
Genome position (GRCh38, 1-based): chr8:89,937,050, T>G on the plus strand (A>C on the coding strand, the complement: NBN is on the minus strand). VCF-style: chr8-89937050-T-G. GRCh37 (hg19) VCF-style: chr8-90949278-T-G.
Other names: c.1964A>C, p.Glu655Ala (NM_001024688.3); short protein forms E655A, E737A.
Identifiers: ClinVar variation 1787759 (VCV001787759.4), dbSNP rs1554554247, ClinGen allele CA371674786.